The following is an entry in ClinVar:

NM_017819.4(TRMT10C):c.414G>A (p.Thr138=)

Gene: TRMT10C (tRNA methyltransferase 10C, mitochondrial RNase P subunit; plus strand). Cytogenetic location: 3q12.3.
Variant type: single nucleotide variant.
Coding change: c.414G>A on transcript NM_017819.4 (MANE Select); coding-DNA position 414, G replaced by A.
Protein change: p.Thr138=; no amino-acid change (threonine 138 retained).
Molecular consequence: synonymous variant.
Genome position (GRCh38, 1-based): chr3:101,565,195, G>A. VCF-style: chr3-101565195-G-A. GRCh37 (hg19) VCF-style: chr3-101284039-G-A.
Identifiers: ClinVar variation 1316844 (VCV001316844.22), dbSNP rs373862967, ClinGen allele CA2520525.

ClinVar aggregate classification (germline): Likely benign. Review status: criteria provided, multiple submitters, no conflicts (2 of 4 stars). 4 submissions from 4 submitters: Likely benign (3). 1 of the submissions does not count toward it. Last evaluated 2026-02-01.

Conditions:
TRMT10C-related disorder. Also called: TRMT10C-related condition.

Allele frequency attached by ClinVar (database versions not stated): 1000 Genomes Project 30x 0.00016; 1000 Genomes Project 0.00020; TOPMed 0.00026; gnomAD exomes 0.00027 and 0.00068; gnomAD 0.00028; ExAC 0.00029; ESP Exome Variant Server 0.00035.
gnomAD v4.1: 986 of 1,573,750 alleles (0.063%); highest among the groups gnomAD compares: Non-Finnish European, 0.082%; no homozygotes.

Submissions (4):

CeGaT Center for Human Genetics Tuebingen
Classification: Likely benign. Last evaluated: 2026-02-01. Review status: criteria provided, single submitter. Criteria: CeGaT Center For Human Genetics Tuebingen Variant Classification Criteria Version 2. Collection method: clinical testing. Allele origin: germline. Affected: yes. Observed: 2 variant alleles.
Comment: TRMT10C: BP4, BP7

Labcorp Genetics (formerly Invitae), Labcorp
Classification: Likely benign. Last evaluated: 2025-11-03. Review status: criteria provided, single submitter. Criteria: Invitae Variant Classification Sherloc (09022015). Collection method: clinical testing. Allele origin: germline.

GeneDx
Classification: Likely benign. Last evaluated: 2018-09-17. Review status: criteria provided, single submitter. Criteria: GeneDx Variant Classification Process June 2021. Collection method: clinical testing. Allele origin: germline. Affected: yes.

PreventionGenetics, part of Exact Sciences
Classification: Likely benign for TRMT10C-related condition. Last evaluated: 2019-09-17. Review status: no assertion criteria provided. Collection method: clinical testing. Allele origin: germline. Not counted in ClinVar's aggregate classification.
Comment: This variant is classified as likely benign based on ACMG/AMP sequence variant interpretation guidelines (Richards et al. 2015 PMID: 25741868, with internal and published modifications).